The following is an entry in ClinVar:

ClinVar aggregate classification (germline): Likely pathogenic (1 of 4 stars; one submission).

Conditions:
Hyperekplexia 2 (HKPX2). Identifiers: Orphanet 3197, MedGen C3553291, MONDO:0013828, OMIM 614619.

Allele frequency attached by ClinVar (database versions not stated): ExAC 0.00001; gnomAD exomes 0.00001.
gnomAD v4.1: 12 of 1,118,300 alleles (0.0011%); highest among the groups gnomAD compares: Non-Finnish European, 0.0016%; no homozygotes.

Submissions (2):

Labcorp Genetics (formerly Invitae), Labcorp
Classification: Likely pathogenic for Hyperekplexia 2. Last evaluated: 2025-03-03. Review status: criteria provided, single submitter. Criteria: Invitae Variant Classification Sherloc (09022015). Collection method: clinical testing. Allele origin: germline.
Comment: This sequence change affects a donor splice site in intron 4 of the GLRB gene. It is expected to disrupt RNA splicing. Variants that disrupt the donor or acceptor splice site typically lead to a loss of protein function (PMID: 16199547), and loss-of-function variants in GLRB are known to be pathogenic (PMID: 23182654, 23184146). The frequency data for this variant in the population databases is considered unreliable, as metrics indicate poor data quality at this position in the gnomAD database. This variant has not been reported in the literature in individuals affected with GLRB-related conditions. ClinVar contains an entry for this variant (Variation ID: 1067051). Algorithms developed to predict the effect of sequence changes on RNA splicing suggest that this variant may disrupt the consensus splice site. In summary, the currently available evidence indicates that the variant is pathogenic, but additional data are needed to prove that conclusively. Therefore, this variant has been classified as Likely Pathogenic.

Dr. Peter K. Rogan Lab, Western University
No classification provided (evidence only). Condition: Gastric cancer. Review status: no classification provided. Collection method: in vitro. Allele origin: not applicable. Functional consequence: retained intron. Not counted in ClinVar's aggregate classification.

Literature cited by the submitters: PubMed 16199547 (cited by Labcorp Genetics (formerly Invitae), Labcorp); PubMed 23182654 (cited by Labcorp Genetics (formerly Invitae), Labcorp); PubMed 23184146 (cited by Labcorp Genetics (formerly Invitae), Labcorp).

NM_000824.5(GLRB):c.297+1G>T

Gene: GLRB (glycine receptor beta; plus strand). Cytogenetic location: 4q32.1.
Variant type: single nucleotide variant.
Coding change: c.297+1G>T on transcript NM_000824.5 (MANE Select); the canonical splice donor site of the intron after coding-DNA position 297, G replaced by T.
Molecular consequence: splice donor variant.
Genome position (GRCh38, 1-based): chr4:157,122,398, G>T. VCF-style: chr4-157122398-G-T. GRCh37 (hg19) VCF-style: chr4-158043550-G-T.
Other names: c.297+1G>T (NM_001166061.2, NM_001166060.2).
Identifiers: ClinVar variation 1067051 (VCV001067051.8), dbSNP rs771465893, ClinGen allele CA3119705.